The following is an entry in ClinVar:

NM_001329943.3(KIAA0586):c.4067T>C (p.Met1356Thr)

Gene: KIAA0586 (KIAA0586; plus strand). Cytogenetic location: 14q23.1.
Variant type: single nucleotide variant.
Coding change: c.4067T>C on transcript NM_001329943.3 (MANE Select); coding-DNA position 4067, T replaced by C.
Protein change: p.Met1356Thr; replaces methionine 1356 with threonine.
Molecular consequence: missense variant.
Genome position (GRCh38, 1-based): chr14:58,498,859, T>C. VCF-style: chr14-58498859-T-C. GRCh37 (hg19) VCF-style: chr14-58965577-T-C.
Other names: c.4226T>C, p.Met1409Thr (NM_001244189.2); c.4022T>C, p.Met1341Thr (NM_001244190.2); c.3812T>C, p.Met1271Thr (NM_001244191.2, NM_001329945.2, NM_001364700.1 and 1 more transcripts); c.3935T>C, p.Met1312Thr (NM_001244192.2, NM_001329947.2); c.3647T>C, p.Met1216Thr (NM_001244193.2); c.4067T>C, p.Met1356Thr (NM_001329944.2, NM_001329946.2); c.3839T>C, p.Met1280Thr (NM_014749.5); short protein forms M1216T, M1271T, M1280T, M1312T, M1341T, M1356T, M1409T.
Identifiers: ClinVar variation 1011668 (VCV001011668.7), dbSNP rs1188851321, ClinGen allele CA389885594.
Genomic context (GRCh38, chr14:58,498,859, plus strand): 5'-TGGGTGAACTTAGTGAAGGACAAAGACCCCAGCTAACAGCGGCAGCAGAGAACATCTTAA[T>C]GGGACATTCTCTCTATATGCAGCCACCTGTCACTAATACACAGTCTTTGGATCAACAATG-3'
Protein context (NP_001316872.1, residues 1346-1366): QLTAAAENIL[Met1356Thr]GHSLYMQPPV

ClinVar aggregate classification (germline): Uncertain significance (1 of 4 stars; one submission).

Conditions:
Joubert syndrome 23 (JBTS23). Identifiers: Orphanet 475, MedGen C4084822, MONDO:0014664, OMIM 616490.
Short-rib thoracic dysplasia 14 with polydactyly (SRTD14). Identifiers: Orphanet 397715, MedGen C4225286, MONDO:0014688, OMIM 616546.

Allele frequency attached by ClinVar (database versions not stated): gnomAD exomes 0.00001.

Submission:

Labcorp Genetics (formerly Invitae), Labcorp
Classification: Uncertain significance for Joubert syndrome 23; Short-rib thoracic dysplasia 14 with polydactyly. Last evaluated: 2024-02-17. Review status: criteria provided, single submitter. Criteria: Invitae Variant Classification Sherloc (09022015). Collection method: clinical testing. Allele origin: germline.
Comment: This sequence change replaces methionine, which is neutral and non-polar, with threonine, which is neutral and polar, at codon 1409 of the KIAA0586 protein (p.Met1409Thr). This variant is present in population databases (no rsID available, gnomAD 0.003%). This variant has not been reported in the literature in individuals affected with KIAA0586-related conditions. ClinVar contains an entry for this variant (Variation ID: 1011668). Advanced modeling of protein sequence and biophysical properties (such as structural, functional, and spatial information, amino acid conservation, physicochemical variation, residue mobility, and thermodynamic stability) performed at Invitae indicates that this missense variant is not expected to disrupt KIAA0586 protein function with a negative predictive value of 80%. In summary, the available evidence is currently insufficient to determine the role of this variant in disease. Therefore, it has been classified as a Variant of Uncertain Significance.